The following is an entry in ClinVar:

NM_004463.3(FGD1):c.1647G>A (p.Glu549=)

Gene: FGD1 (FYVE, RhoGEF and PH domain containing 1; minus strand). Cytogenetic location: Xp11.22.
Variant type: single nucleotide variant.
Coding change: c.1647G>A on transcript NM_004463.3 (MANE Select); coding-DNA position 1647, G replaced by A.
Protein change: p.Glu549=; no amino-acid change (glutamic acid 549 retained).
Molecular consequence: synonymous variant.
Genome position (GRCh38, 1-based): chrX:54,456,557, C>T on the plus strand (G>A on the coding strand, the complement: FGD1 is on the minus strand). VCF-style: chrX-54456557-C-T. GRCh37 (hg19) VCF-style: chrX-54482990-C-T.
Other names: c.1647G>A (NM_004463.2).
Identifiers: ClinVar variation 199095 (VCV000199095.12), dbSNP rs142114385, ClinGen allele CA248102.

ClinVar aggregate classification (germline): Conflicting classifications of pathogenicity. Review status: criteria provided, conflicting classifications (1 of 4 stars). 4 submissions from 4 submitters: Uncertain significance (1); Benign (1); Likely benign (1). 1 of the submissions does not count toward it. Last evaluated 2025-07-08.

Conditions:
FGD1-related disorder. Also called: FGD1-related condition; FGD1-related disorders.

Allele frequency attached by ClinVar (database versions not stated): 1000 Genomes Project 0.00026; TOPMed 0.00055; gnomAD 0.00062 and 0.00066; ESP Exome Variant Server 0.00066; gnomAD exomes 0.00006 and 0.00014; ExAC 0.00018; 1000 Genomes Project 30x 0.00021.
gnomAD v4.1: 136 of 1,207,794 alleles (0.011%); highest among the groups gnomAD compares: African/African-American, 0.22%; 1 homozygote.

Submissions (4):

Labcorp Genetics (formerly Invitae), Labcorp
Classification: Benign. Last evaluated: 2025-07-08. Review status: criteria provided, single submitter. Criteria: Invitae Variant Classification Sherloc (09022015). Collection method: clinical testing. Allele origin: germline.

Blueprint Genetics
Classification: Likely benign. Last evaluated: 2022-07-08. Review status: criteria provided, single submitter. Criteria: ACMG Guidelines, 2015. Collection method: clinical testing. Allele origin: germline.

Eurofins Ntd Llc (ga)
Classification: Uncertain significance. Last evaluated: 2015-02-16. Review status: criteria provided, single submitter. Criteria: EGL Classification Definitions 2015. Collection method: clinical testing. Allele origin: germline. Observed: 1 variant allele, 1 hemizygote.

PreventionGenetics, part of Exact Sciences
Classification: Likely benign for FGD1-related condition. Last evaluated: 2019-08-06. Review status: no assertion criteria provided. Collection method: clinical testing. Allele origin: germline. Not counted in ClinVar's aggregate classification.
Comment: This variant is classified as likely benign based on ACMG/AMP sequence variant interpretation guidelines (Richards et al. 2015 PMID: 25741868, with internal and published modifications).